The following is an entry in ClinVar:

NM_000135.4(FANCA):c.4260+6G>T

Genes: FANCA (FA complementation group A; minus strand), ZNF276 (zinc finger protein 276; plus strand). Cytogenetic location: 16q24.3.
Variant type: single nucleotide variant.
Coding change: c.4260+6G>T on transcript NM_000135.4 (MANE Select); 6 bases into the intron after coding-DNA position 4260, G replaced by T.
Molecular consequence: intron variant. On other transcripts: 3 prime UTR variant (2), non-coding transcript variant (4).
Genome position (GRCh38, 1-based): chr16:89,738,876, C>A on the plus strand (G>T on the coding strand, the complement: FANCA is on the minus strand). VCF-style: chr16-89738876-C-A. GRCh37 (hg19) VCF-style: chr16-89805284-C-A.
Other names: c.*630C>A (NM_001113525.2, NM_152287.4); c.4264+6G>T (NM_001286167.3).
Identifiers: ClinVar variation 846970 (VCV000846970.20), dbSNP rs374793201, ClinGen allele CA8250664.
Genomic context (GRCh38, chr16:89,738,876, plus strand): 5'-CATGGCCCAGGCAGCTGTCAATTCTCATGTCCCCCACATGGCCCAAGGTGGGCATCTTGA[C>A]GTTACCTCTGCCACGTGTGAGAAGCTCTTTTTCGGGCACCGAGGTATTAACTGCAGCAGA-3'

ClinVar aggregate classification (germline): Conflicting classifications of pathogenicity. Review status: criteria provided, conflicting classifications (1 of 4 stars). 4 submissions from 4 submitters: Uncertain significance (2); Likely benign (1). 1 of the submissions does not count toward it. Last evaluated 2026-01-30.

Conditions:
Fanconi anemia (FA). Also called: Fanconi's anemia. Identifiers: Orphanet 84, MedGen C0015625, MeSH D005199, MONDO:0019391.
Fanconi anemia complementation group A (FANCA). Also called: Fanconi anemia, group A; FANCA-Related Fanconi Anemia. Identifiers: Orphanet 84, MedGen C3469521, MONDO:0009215, OMIM 227650.

Allele frequency attached by ClinVar (database versions not stated): TOPMed 0.00005.
gnomAD v4.1: 21 of 1,614,126 alleles (0.0013%); highest among the groups gnomAD compares: Middle Eastern, 0.016%; no homozygotes.

Submissions (4):

Labcorp Genetics (formerly Invitae), Labcorp
Classification: Uncertain significance for Fanconi anemia. Last evaluated: 2026-01-30. Review status: criteria provided, single submitter. Criteria: Invitae Variant Classification Sherloc (09022015). Collection method: clinical testing. Allele origin: germline.
Comment: This sequence change falls in intron 42 of the FANCA gene. It does not directly change the encoded amino acid sequence of the FANCA protein. It affects a nucleotide within the consensus splice site. This variant is present in population databases (rs374793201, gnomAD 0.006%). This variant has not been reported in the literature in individuals affected with FANCA-related conditions. ClinVar contains an entry for this variant (Variation ID: 846970). Variants that disrupt the consensus splice site are a relatively common cause of aberrant splicing (PMID: 17576681, 9536098). Algorithms developed to predict the effect of sequence changes on RNA splicing suggest that this variant is not likely to affect RNA splicing. In summary, the available evidence is currently insufficient to determine the role of this variant in disease. Therefore, it has been classified as a Variant of Uncertain Significance.

CeGaT Center for Human Genetics Tuebingen
Classification: Likely benign. Last evaluated: 2025-05-01. Review status: criteria provided, single submitter. Criteria: CeGaT Center For Human Genetics Tuebingen Variant Classification Criteria Version 2. Collection method: clinical testing. Allele origin: germline. Affected: yes. Observed: 1 variant allele.
Comment: FANCA: BP4

Fulgent Genetics
Classification: Uncertain significance for Fanconi anemia complementation group A. Last evaluated: 2022-04-21. Review status: criteria provided, single submitter. Criteria: ACMG Guidelines, 2015. Collection method: clinical testing. Allele origin: unknown.

Natera, Inc.
Classification: Uncertain significance for Fanconi anemia. Last evaluated: 2020-09-01. Review status: no assertion criteria provided. Collection method: clinical testing. Allele origin: germline. Not counted in ClinVar's aggregate classification.

Literature cited by the submitters: PubMed 17576681 (cited by Labcorp Genetics (formerly Invitae), Labcorp); PubMed 9536098 (cited by Labcorp Genetics (formerly Invitae), Labcorp).